The following is an entry in ClinVar:

ClinVar aggregate classification (germline): Uncertain significance (1 of 4 stars; one submission).

Conditions:
Pontocerebellar hypoplasia, type 15. Identifiers: MedGen C5543326, MONDO:0030259, OMIM 619302.

gnomAD v4.1: 52 of 1,613,170 alleles (0.0032%); highest among the groups gnomAD compares: South Asian, 0.046%; 1 homozygote.

Submission:

Neuberg Centre For Genomic Medicine, NCGM
Classification: Uncertain significance for Pontocerebellar hypoplasia, type 15. Last evaluated: 2023-05-20. Review status: criteria provided, single submitter. Criteria: ACMG Guidelines, 2015. Collection method: clinical testing. Allele origin: germline. Inheritance: Autosomal recessive inheritance. Affected: yes.
Comment: The observed missense variant c.964C>T (p.Arg322Trp) in CDC40 gene has not been reported previously as a pathogenic variant nor as a benign variant, to our knowledge. The p.Arg322Trp variant has allele frequency 0.006% in gnomAD Exomes. This variant has not been submitted to the ClinVar database. Multiple lines of computational evidence (Polyphen - Probably damaging, SIFT - Damaging and Mutation Taster - Disease causing) predict a damaging effect on protein structure and function for this variant. The amino acid change p.Arg322Trp in CDC40 is predicted as conserved by GERP++ and PhyloP across 100 vertebrates. The amino acid Arg at position 322 is changed to a Trp changing protein sequence and it might alter its composition and physico-chemical properties. For these reasons, this variant has been classified as Variant of Uncertain Significance (VUS).

NM_015891.3(CDC40):c.964C>T (p.Arg322Trp)

Gene: CDC40 (cell division cycle 40; plus strand). Cytogenetic location: 6q21.
Variant type: single nucleotide variant.
Coding change: c.964C>T on transcript NM_015891.3 (MANE Select); coding-DNA position 964, C replaced by T.
Protein change: p.Arg322Trp; replaces arginine 322 with tryptophan.
Molecular consequence: missense variant.
Genome position (GRCh38, 1-based): chr6:110,215,307, C>T. VCF-style: chr6-110215307-C-T. GRCh37 (hg19) VCF-style: chr6-110536510-C-T.
Other names: short protein forms R322W.
Identifiers: ClinVar variation 3341454 (VCV003341454.1).